The following is an entry in ClinVar:

ClinVar aggregate classification (germline): Likely benign. Review status: criteria provided, multiple submitters, no conflicts (2 of 4 stars). 5 submissions from 5 submitters: Likely benign (5). Last evaluated 2025-12-03.

Conditions:
Wilson disease (WND). Also called: Wilson's disease. Identifiers: Orphanet 905, MedGen C0019202, MONDO:0010200, OMIM 277900. Disease mechanism: loss of function.
ATP7B-related disorder. Also called: ATP7B-related condition.

Allele frequency attached by ClinVar (database versions not stated): gnomAD exomes 0.00001 and 0.00002; ExAC 0.00002; gnomAD 0.00002; TOPMed 0.00002.
gnomAD v4.1: 16 of 1,614,062 alleles (0.00099%); highest among the groups gnomAD compares: Non-Finnish European, 0.0013%; no homozygotes.

Submissions (5):

Labcorp Genetics (formerly Invitae), Labcorp
Classification: Likely benign for Wilson disease. Last evaluated: 2025-12-03. Review status: criteria provided, single submitter. Criteria: Invitae Variant Classification Sherloc (09022015). Collection method: clinical testing. Allele origin: germline.

PreventionGenetics, part of Exact Sciences
Classification: Likely benign for ATP7B-related condition. Last evaluated: 2025-11-24. Review status: criteria provided, single submitter. Criteria: ACMG Guidelines, 2015. Collection method: clinical testing. Allele origin: germline.
Comment: This variant is classified as likely benign based on ACMG/AMP sequence variant interpretation guidelines (Richards et al. 2015 PMID: 25741868, with internal and published modifications).

Blueprint Genetics
Classification: Likely benign. Last evaluated: 2024-08-26. Review status: criteria provided, single submitter. Criteria: ACMG Guidelines, 2015. Collection method: clinical testing. Allele origin: germline.

All of Us Research Program, National Institutes of Health
Classification: Likely benign for Wilson disease. Last evaluated: 2023-12-13. Review status: criteria provided, single submitter. Criteria: ACMG Guidelines, 2015. Collection method: clinical testing. Allele origin: germline. Inheritance: Autosomal recessive inheritance. Observed: 5 variant alleles, 5 heterozygotes.
Comment: This study involves interpretation of variants in research participants for the purpose of population health screening. Participant phenotype was not available at the time of variant classification. Additional details can be found in publication PMID: 35346344, PMCID: PMC8962531

Color Diagnostics, LLC DBA Color Health
Classification: Likely benign for Wilson disease. Last evaluated: 2022-06-15. Review status: criteria provided, single submitter. Criteria: ACMG Guidelines, 2015. Collection method: clinical testing. Allele origin: germline.

NM_000053.4(ATP7B):c.3852T>C (p.Ile1284=)

Gene: ATP7B (ATPase copper transporting beta; minus strand). Cytogenetic location: 13q14.3.
Variant type: single nucleotide variant.
Coding change: c.3852T>C on transcript NM_000053.4 (MANE Select); coding-DNA position 3852, T replaced by C.
Protein change: p.Ile1284=; no amino-acid change (isoleucine 1284 retained).
Molecular consequence: synonymous variant.
Genome position (GRCh38, 1-based): chr13:51,937,527, A>G on the plus strand (T>C on the coding strand, the complement: ATP7B is on the minus strand). VCF-style: chr13-51937527-A-G. GRCh37 (hg19) VCF-style: chr13-52511663-A-G.
Other names: c.3231T>C, p.Ile1077= (NM_001005918.3); c.3519T>C, p.Ile1173= (NM_001243182.2); c.3618T>C, p.Ile1206= (NM_001330578.2); c.3600T>C, p.Ile1200= (NM_001330579.2); c.3852T>C (NM_000053.3).
Identifiers: ClinVar variation 1626122 (VCV001626122.11), dbSNP rs757139219, ClinGen allele CA6988559.